The following is an entry in ClinVar:

NM_005909.5(MAP1B):c.6868C>T (p.Pro2290Ser)

Gene: MAP1B (microtubule associated protein 1B; plus strand). Cytogenetic location: 5q13.2.
Variant type: single nucleotide variant.
Coding change: c.6868C>T on transcript NM_005909.5 (MANE Select); coding-DNA position 6868, C replaced by T.
Protein change: p.Pro2290Ser; replaces proline 2290 with serine.
Molecular consequence: missense variant.
Genome position (GRCh38, 1-based): chr5:72,200,223, C>T. VCF-style: chr5-72200223-C-T. GRCh37 (hg19) VCF-style: chr5-71496050-C-T.
Other names: c.6490C>T, p.Pro2164Ser (NM_001324255.2); short protein forms P2164S, P2290S.
Identifiers: ClinVar variation 3349644 (VCV003349644.1).

ClinVar aggregate classification (germline): Uncertain significance (0 of 4 stars; one submission).

Conditions:
MAP1B-related disorder. Also called: MAP1B-related condition.

gnomAD v4.1: 1 of 1,614,134 alleles (0.000062%); highest among the groups gnomAD compares: African/African-American, 0.0013%; no homozygotes.

Submission:

PreventionGenetics, part of Exact Sciences
Classification: Uncertain significance for MAP1B-related condition. Last evaluated: 2024-05-10. Review status: no assertion criteria provided. Collection method: clinical testing. Allele origin: germline.
Comment: The MAP1B c.6868C>T variant is predicted to result in the amino acid substitution p.Pro2290Ser. To our knowledge, this variant has not been reported in the literature. This variant is reported in 0.0062% of alleles in individuals of African descent in gnomAD. At this time, the clinical significance of this variant is uncertain due to the absence of conclusive functional and genetic evidence.